The following is an entry in ClinVar:

NM_177965.4(CFAP418):c.243+10G>A

Gene: CFAP418 (cilia and flagella associated protein 418; minus strand). Cytogenetic location: 8q22.1.
Variant type: single nucleotide variant.
Coding change: c.243+10G>A on transcript NM_177965.4 (MANE Select); 10 bases into the intron after coding-DNA position 243, G replaced by A.
Molecular consequence: intron variant.
Genome position (GRCh38, 1-based): chr8:95,263,677, C>T on the plus strand (G>A on the coding strand, the complement: CFAP418 is on the minus strand). VCF-style: chr8-95263677-C-T. GRCh37 (hg19) VCF-style: chr8-96275905-C-T.
Other names: c.243+10G>A (NM_001363260.1, NM_177965.3).
Identifiers: ClinVar variation 1919696 (VCV001919696.7), dbSNP rs1328320538, ClinGen allele CA583705432.
Genomic context (GRCh38, chr8:95,263,677, plus strand): 5'-CTTTAAGACTATTCTAAACATGTCTTGAAATAATGACAGAATTACTACATATTTATAACA[C>T]TTGACTTACAGAGGGTTTTTTGTCCAAGTTGGGCTCTTCAAGTATTTCATTAATAAGACT-3'

ClinVar aggregate classification (germline): Likely benign. Review status: criteria provided, single submitter (1 of 4 stars). 2 submissions from 2 submitters: Likely benign (1). 1 of the submissions does not count toward it. Last evaluated 2025-04-17.

Conditions:
CFAP418-related disorder. Also called: CFAP418-related condition.

Allele frequency attached by ClinVar (database versions not stated): gnomAD 0.00001; TOPMed 0.00002.
gnomAD v4.1: 2 of 1,541,234 alleles (0.00013%); highest among the groups gnomAD compares: Admixed American, 0.0017%; no homozygotes.

Submissions (2):

Labcorp Genetics (formerly Invitae), Labcorp
Classification: Likely benign. Last evaluated: 2025-04-17. Review status: criteria provided, single submitter. Criteria: Invitae Variant Classification Sherloc (09022015). Collection method: clinical testing. Allele origin: germline.

PreventionGenetics, part of Exact Sciences
Classification: Likely benign for CFAP418-related condition. Last evaluated: 2024-01-24. Review status: no assertion criteria provided. Collection method: clinical testing. Allele origin: germline. Not counted in ClinVar's aggregate classification.
Comment: This variant is classified as likely benign based on ACMG/AMP sequence variant interpretation guidelines (Richards et al. 2015 PMID: 25741868, with internal and published modifications).